The following is an entry in ClinVar:

NM_015516.4(TSKU):c.1026C>T (p.Thr342=)

Gene: TSKU (tsukushi, small leucine rich proteoglycan; plus strand). Cytogenetic location: 11q13.5.
Variant type: single nucleotide variant.
Coding change: c.1026C>T on transcript NM_015516.4 (MANE Select); coding-DNA position 1026, C replaced by T.
Protein change: p.Thr342=; no amino-acid change (threonine 342 retained).
Molecular consequence: synonymous variant.
Genome position (GRCh38, 1-based): chr11:76,796,642, C>T. VCF-style: chr11-76796642-C-T. GRCh37 (hg19) VCF-style: chr11-76507686-C-T.
Other names: c.1026C>T, p.Thr342= (NM_001258210.2, NM_001318478.2, NM_001318479.2); c.1068C>T, p.Thr356= (NM_001318477.2).
Identifiers: ClinVar variation 2642175 (VCV002642175.24), dbSNP rs543814340, ClinGen allele CA6195516.

ClinVar aggregate classification (germline): Likely benign (1 of 4 stars; one submission).

Allele frequency attached by ClinVar (database versions not stated): TOPMed below 0.00001; gnomAD 0.00002; 1000 Genomes Project 30x 0.00031; 1000 Genomes Project 0.00040.
gnomAD v4.1: 30 of 1,454,948 alleles (0.0021%); highest among the groups gnomAD compares: South Asian, 0.039%; no homozygotes.

Submission:

CeGaT Center for Human Genetics Tuebingen
Classification: Likely benign. Last evaluated: 2022-03-01. Review status: criteria provided, single submitter. Criteria: CeGaT Center For Human Genetics Tuebingen Variant Classification Criteria Version 2. Collection method: clinical testing. Allele origin: germline. Affected: yes. Observed: 1 variant allele.
Comment: TSKU: BP4, BP7